The following is an entry in ClinVar:

NM_001291415.2(KDM6A):c.3389C>A (p.Pro1130His)

Gene: KDM6A (lysine demethylase 6A; plus strand). Cytogenetic location: Xp11.3.
Variant type: single nucleotide variant.
Coding change: c.3389C>A on transcript NM_001291415.2 (MANE Select); coding-DNA position 3389, C replaced by A.
Protein change: p.Pro1130His; replaces proline 1130 with histidine.
Molecular consequence: missense variant. On other transcripts: non-coding transcript variant (1).
Genome position (GRCh38, 1-based): chrX:45,082,738, C>A. VCF-style: chrX-45082738-C-A. GRCh37 (hg19) VCF-style: chrX-44941983-C-A.
Other names: c.3254C>A, p.Pro1085His (NM_001291416.2, NM_001419811.1); c.3098C>A, p.Pro1033His (NM_001291417.2); c.2996C>A, p.Pro999His (NM_001291418.2, NM_001419815.1); c.2345C>A, p.Pro782His (NM_001291421.2); c.3131C>A, p.Pro1044His (NM_001410742.1, NM_001419814.1); c.3389C>A, p.Pro1130His (NM_001419809.1); c.3287C>A, p.Pro1096His (NM_001419810.1, NM_001419813.1); c.3233C>A, p.Pro1078His (NM_001419812.1, NM_021140.4); short protein forms P1044H, P1130H, P782H, P1078H, P1096H, P999H, P1033H, P1085H.
Identifiers: ClinVar variation 4993185 (VCV004993185.1).

ClinVar aggregate classification (germline): Uncertain significance (1 of 4 stars; one submission).

Conditions:
KDM6A-related disorder. Also called: KDM6A-related condition.

gnomAD v4.1: 3 of 1,201,631 alleles (0.00025%); highest among the groups gnomAD compares: Non-Finnish European, 0.00023%; no homozygotes.

Submission:

PreventionGenetics, part of Exact Sciences
Classification: Uncertain significance for KDM6A-related condition. Last evaluated: 2026-07-09. Review status: criteria provided, single submitter. Criteria: ACMG Guidelines, 2015. Collection method: clinical testing. Allele origin: germline.
Comment: The KDM6A c.3233C>A variant is predicted to result in the amino acid substitution p.Pro1078His. To our knowledge, this variant has not been reported in the literature or in a large population database (gnomAD), indicating this variant is rare. At this time, the clinical significance of this variant is uncertain due to the absence of conclusive functional and genetic evidence.